The following is an entry in ClinVar:

ClinVar aggregate classification (germline): Uncertain significance (1 of 4 stars; one submission).

Conditions:
Tuberous sclerosis 1 (TSC1). Identifiers: Orphanet 805, MedGen C1854465, MONDO:0008612, OMIM 191100.

Submission:

Labcorp Genetics (formerly Invitae), Labcorp
Classification: Uncertain significance for Tuberous sclerosis 1. Last evaluated: 2022-07-22. Review status: criteria provided, single submitter. Criteria: Invitae Variant Classification Sherloc (09022015). Collection method: clinical testing. Allele origin: germline.
Comment: In summary, the available evidence is currently insufficient to determine the role of this variant in disease. Therefore, it has been classified as a Variant of Uncertain Significance. Algorithms developed to predict the effect of missense changes on protein structure and function are either unavailable or do not agree on the potential impact of this missense change (SIFT: "Deleterious"; PolyPhen-2: "Benign"; Align-GVGD: "Class C0"). This variant has not been reported in the literature in individuals affected with TSC1-related conditions. This variant is not present in population databases (gnomAD no frequency). This sequence change replaces serine, which is neutral and polar, with alanine, which is neutral and non-polar, at codon 524 of the TSC1 protein (p.Ser524Ala).

NM_000368.5(TSC1):c.1570T>G (p.Ser524Ala)

Gene: TSC1 (TSC complex subunit 1; minus strand). Cytogenetic location: 9q34.13.
Variant type: single nucleotide variant.
Coding change: c.1570T>G on transcript NM_000368.5 (MANE Select); coding-DNA position 1570, T replaced by G.
Protein change: p.Ser524Ala; replaces serine 524 with alanine.
Molecular consequence: missense variant.
Genome position (GRCh38, 1-based): chr9:132,906,008, A>C on the plus strand (T>G on the coding strand, the complement: TSC1 is on the minus strand). VCF-style: chr9-132906008-A-C. GRCh37 (hg19) VCF-style: chr9-135781395-A-C.
Other names: c.1567T>G, p.Ser523Ala (NM_001162426.2, NM_001406600.1, NM_001406603.1 and 6 more transcripts); c.1570T>G, p.Ser524Ala (NM_001406601.1, NM_001406602.1, NM_001406605.1 and 7 more transcripts); c.1207T>G, p.Ser403Ala (NM_001406619.1, NM_001406624.1, NM_001362177.2 and 5 more transcripts); c.1204T>G, p.Ser402Ala (NM_001406620.1, NM_001406621.1, NM_001406622.1 and 2 more transcripts); c.619T>G, p.Ser207Ala (NM_001406626.1); c.616T>G, p.Ser206Ala (NM_001406627.1, NM_001406628.1); c.517T>G, p.Ser173Ala (NM_001406629.1, NM_001406630.1); c.1417T>G, p.Ser473Ala (NM_001162427.2, NM_001406610.1); and 1 more; short protein forms S173A, S206A, S207A, S402A, S403A, S472A, S473A, S523A.
Identifiers: ClinVar variation 1713283 (VCV001713283.5), dbSNP rs1588310634, ClinGen allele CA375365037.